The following is an entry in ClinVar:

ClinVar aggregate classification (germline): Uncertain significance (1 of 4 stars; one submission).

Allele frequency attached by ClinVar (database versions not stated): gnomAD exomes 0.00001.
gnomAD v4.1: 11 of 1,592,518 alleles (0.00069%); highest among the groups gnomAD compares: Non-Finnish European, 0.00094%; no homozygotes.

Submission:

Labcorp Genetics (formerly Invitae), Labcorp
Classification: Uncertain significance. Last evaluated: 2024-04-15. Review status: criteria provided, single submitter. Criteria: Invitae Variant Classification Sherloc (09022015). Collection method: clinical testing. Allele origin: germline.
Comment: This sequence change replaces aspartic acid, which is acidic and polar, with histidine, which is basic and polar, at codon 156 of the SLC46A1 protein (p.Asp156His). This variant is not present in population databases (gnomAD no frequency). This variant has not been reported in the literature in individuals affected with SLC46A1-related conditions. ClinVar contains an entry for this variant (Variation ID: 2061775). Advanced modeling of protein sequence and biophysical properties (such as structural, functional, and spatial information, amino acid conservation, physicochemical variation, residue mobility, and thermodynamic stability) performed at Invitae indicates that this missense variant is not expected to disrupt SLC46A1 protein function with a negative predictive value of 80%. In summary, the available evidence is currently insufficient to determine the role of this variant in disease. Therefore, it has been classified as a Variant of Uncertain Significance.

NM_080669.6(SLC46A1):c.466G>C (p.Asp156His)

Gene: SLC46A1 (solute carrier family 46 member 1; minus strand). Cytogenetic location: 17q11.2.
Variant type: single nucleotide variant.
Coding change: c.466G>C on transcript NM_080669.6 (MANE Select); coding-DNA position 466, G replaced by C.
Protein change: p.Asp156His; replaces aspartic acid 156 with histidine.
Molecular consequence: missense variant.
Genome position (GRCh38, 1-based): chr17:28,405,231, C>G on the plus strand (G>C on the coding strand, the complement: SLC46A1 is on the minus strand). VCF-style: chr17-28405231-C-G. GRCh37 (hg19) VCF-style: chr17-26732249-C-G.
Other names: c.466G>C, p.Asp156His (NM_001242366.3); short protein forms D156H.
Identifiers: ClinVar variation 2061775 (VCV002061775.3), dbSNP rs281875210, ClinGen allele CA398351591.